The following is an entry in ClinVar:

ClinVar aggregate classification (germline): Uncertain significance. Review status: criteria provided, multiple submitters, no conflicts (2 of 4 stars). 3 submissions from 3 submitters: Uncertain significance (3). Last evaluated 2026-07-18.

Conditions:
COL2A1-related disorder. Also called: COL2A1-related condition; COL2A1-related disorders.

Allele frequency attached by ClinVar (database versions not stated): gnomAD exomes below 0.00001; TOPMed 0.00002.
gnomAD v4.1: 2 of 1,614,016 alleles (0.00012%); highest among the groups gnomAD compares: Non-Finnish European, 0.00017%; no homozygotes.

Submissions (3):

PreventionGenetics, part of Exact Sciences
Classification: Uncertain significance for COL2A1-related condition. Last evaluated: 2026-07-18. Review status: criteria provided, single submitter. Criteria: ACMG Guidelines, 2015. Collection method: clinical testing. Allele origin: germline.
Comment: The COL2A1 c.3568C>T variant is predicted to result in the amino acid substitution p.Arg1190Cys. This variant was observed in an individual with hearing loss (Table S2, Perry et al. 2022. PubMed ID: 36515421). This variant has not been reported in a large population database gnomAD. At this time, the clinical significance of this variant is uncertain due to the absence of conclusive functional and genetic evidence.

Labcorp Genetics (formerly Invitae), Labcorp
Classification: Uncertain significance. Last evaluated: 2025-12-02. Review status: criteria provided, single submitter. Criteria: Invitae Variant Classification Sherloc (09022015). Collection method: clinical testing. Allele origin: germline.
Comment: This sequence change replaces arginine, which is basic and polar, with cysteine, which is neutral and slightly polar, at codon 1190 of the COL2A1 protein (p.Arg1190Cys). This variant is not present in population databases (gnomAD no frequency). This missense change has been observed in individual(s) with deafness (PMID: 36515421). ClinVar contains an entry for this variant (Variation ID: 1301285). Invitae Evidence Modeling of protein sequence and biophysical properties (such as structural, functional, and spatial information, amino acid conservation, physicochemical variation, residue mobility, and thermodynamic stability) indicates that this missense variant is expected to disrupt COL2A1 protein function with a positive predictive value of 80%. In summary, the available evidence is currently insufficient to determine the role of this variant in disease. Therefore, it has been classified as a Variant of Uncertain Significance.

GeneDx
Classification: Uncertain significance. Last evaluated: 2025-07-03. Review status: criteria provided, single submitter. Criteria: GeneDx Variant Classification Process June 2021. Collection method: clinical testing. Allele origin: germline. Affected: yes.
Comment: Not observed at significant frequency in large population cohorts (gnomAD); In silico analysis supports that this missense variant has a deleterious effect on protein structure/function; Other missense variants that introduce a cysteine residue in the triple helical domain have been reported in association with COL2A1-related conditions (HGMD); This variant is associated with the following publications: (PMID: 31755234, 36515421)

Literature cited by the submitters: PubMed 36515421 (cited by Labcorp Genetics (formerly Invitae), Labcorp).

NM_001844.5(COL2A1):c.3568C>T (p.Arg1190Cys)

Gene: COL2A1 (collagen type II alpha 1 chain; minus strand). Cytogenetic location: 12q13.11.
Variant type: single nucleotide variant.
Coding change: c.3568C>T on transcript NM_001844.5 (MANE Select); coding-DNA position 3568, C replaced by T.
Protein change: p.Arg1190Cys; replaces arginine 1190 with cysteine.
Molecular consequence: missense variant.
Genome position (GRCh38, 1-based): chr12:47,975,992, G>A on the plus strand (C>T on the coding strand, the complement: COL2A1 is on the minus strand). VCF-style: chr12-47975992-G-A. GRCh37 (hg19) VCF-style: chr12-48369775-G-A.
Other names: c.3361C>T, p.Arg1121Cys (NM_033150.3); short protein forms R1121C, R1190C.
Identifiers: ClinVar variation 1301285 (VCV001301285.10), dbSNP rs1338267090, ClinGen allele CA384537304.